The following is an entry in ClinVar:

NM_000321.3(RB1):c.1471_1472del (p.Ala490_Leu491insTer)

Gene: RB1 (RB transcriptional corepressor 1; plus strand). Cytogenetic location: 13q14.2.
Variant type: Microsatellite.
Coding change: c.1471_1472del on transcript NM_000321.3 (MANE Select); coding-DNA positions 1471 to 1472, 2 bases deleted (CT; older notation c.1471_1472delCT).
Protein change: p.Ala490_Leu491insTer.
Molecular consequence: nonsense. On other transcripts: frameshift variant (2).
Genome position (GRCh38, 1-based): chr13:48,380,214-48,380,215, CT deleted; deleting any 2 consecutive bases within chr13:48,380,212-48,380,215 gives the same sequence; the c. name uses the placement nearest the transcript's 3' end. VCF-style (leftmost placement, unchanged base first): chr13-48380211-GCT-G. GRCh37 (hg19) VCF-style: chr13-48954347-GCT-G.
Other names: c.1469_1470CT[1], p.Leu491Terfs (NM_000321.2); c.1471_1472del, p.Ala490_Leu491insTer (NM_001407165.1, NM_001407166.1); c.1471_1472delCT (NM_000321.2).
Identifiers: ClinVar variation 5027964 (VCV005027964.1).

ClinVar aggregate classification (germline): Pathogenic (1 of 4 stars; one submission).

Conditions:
Hereditary cancer-predisposing syndrome. Also called: Neoplastic Syndromes, Hereditary; Tumor predisposition; Hereditary neoplastic syndrome; Hereditary Cancer Syndrome. Identifiers: Orphanet 140162, MedGen C0027672, MeSH D009386, MONDO:0015356.

Submission:

Ambry Genetics
Classification: Pathogenic for Hereditary cancer-predisposing syndrome. Last evaluated: 2026-07-16. Review status: criteria provided, single submitter. Criteria: Ambry Variant Classification Scheme 2023. Collection method: clinical testing. Allele origin: germline.
Comment: The c.1471_1472delCT pathogenic mutation, located in coding exon 16 of the RB1 gene, results from a deletion of two nucleotides at nucleotide positions 1471 to 1472, causing a translational frameshift with a predicted alternate stop codon (p.L491*). This variant was reported in individual(s) with features consistent with RB1-related retinoblastoma (Ambry internal data). This variant is considered to be rare based on population cohorts in the Genome Aggregation Database (gnomAD). This alteration is expected to result in loss of function by premature protein truncation or nonsense-mediated mRNA decay. As such, this alteration is interpreted as a disease-causing mutation.